The following is an entry in ClinVar:

NM_004360.5(CDH1):c.2460T>C (p.Thr820=)

Gene: CDH1 (cadherin 1; plus strand). Cytogenetic location: 16q22.1.
Variant type: single nucleotide variant.
Coding change: c.2460T>C on transcript NM_004360.5 (MANE Select); coding-DNA position 2460, T replaced by C.
Protein change: p.Thr820=; no amino-acid change (threonine 820 retained).
Molecular consequence: synonymous variant.
Genome position (GRCh38, 1-based): chr16:68,833,310, T>C. VCF-style: chr16-68833310-T-C. GRCh37 (hg19) VCF-style: chr16-68867213-T-C.
Other names: c.2277T>C, p.Thr759= (NM_001317184.2); c.912T>C, p.Thr304= (NM_001317185.2); c.495T>C, p.Thr165= (NM_001317186.2).
Identifiers: ClinVar variation 3378563 (VCV003378563.2).

ClinVar aggregate classification (germline): Benign/Likely benign. Review status: criteria provided, multiple submitters, no conflicts (2 of 4 stars). 2 submissions from 2 submitters: Benign (1); Likely benign (1). Last evaluated 2024-09-24.

Conditions:
Hereditary cancer-predisposing syndrome. Also called: Hereditary Cancer Syndrome; Tumor predisposition; Hereditary neoplastic syndrome; Neoplastic Syndromes, Hereditary. Identifiers: Orphanet 140162, MedGen C0027672, MeSH D009386, MONDO:0015356.
Hereditary diffuse gastric adenocarcinoma (HDGC). Also called: DIFFUSE GASTRIC AND LOBULAR BREAST CANCER SYNDROME. Identifiers: Orphanet 26106, MedGen C1708349, MONDO:0007648, OMIM 137215.

Submissions (2):

Myriad Genetics, Inc.
Classification: Benign for Hereditary diffuse gastric adenocarcinoma. Last evaluated: 2024-09-24. Review status: criteria provided, single submitter. Criteria: Myriad Autosomal Dominant, Autosomal Recessive and X-Linked Classification Criteria (2023). Collection method: clinical testing. Allele origin: unknown.
Comment: This variant is considered benign. This variant is a silent/synonymous amino acid change and it is not expected to impact splicing.

Ambry Genetics
Classification: Likely benign for Hereditary cancer-predisposing syndrome. Last evaluated: 2024-08-12. Review status: criteria provided, single submitter. Criteria: Ambry Variant Classification Scheme 2023. Collection method: clinical testing. Allele origin: germline.